The following is an entry in ClinVar:

NM_001204.7(BMPR2):c.283C>T (p.His95Tyr)

Gene: BMPR2 (bone morphogenetic protein receptor type 2; plus strand). Cytogenetic location: 2q33.1.
Variant type: single nucleotide variant.
Coding change: c.283C>T on transcript NM_001204.7 (MANE Select); coding-DNA position 283, C replaced by T.
Protein change: p.His95Tyr; replaces histidine 95 with tyrosine.
Molecular consequence: missense variant.
Genome position (GRCh38, 1-based): chr2:202,467,554, C>T. VCF-style: chr2-202467554-C-T. GRCh37 (hg19) VCF-style: chr2-203332277-C-T.
Other names: short protein forms H95Y.
Identifiers: ClinVar variation 3824905 (VCV003824905.1).
Genomic context (GRCh38, chr2:202,467,554, plus strand): 5'-TTTTTGTATTCATATTGATTTATAGGATGTTGGTCTCACATTGGAGATCCCCAAGAGTGT[C>T]ACTATGAAGAATGTGTAGTAACTACCACTCCTCCCTCAATTCAGAATGGAACATACCGTT-3'
Protein context (NP_001195.2, residues 85-105): WSHIGDPQEC[His95Tyr]YEECVVTTTP

ClinVar aggregate classification (germline): Uncertain significance (1 of 4 stars; one submission).

Conditions:
Inborn genetic diseases. Identifiers: MedGen C0950123, MeSH D030342.

gnomAD v4.1: 1 of 1,569,020 alleles (0.000064%); no homozygotes.

Submission:

Ambry Genetics
Classification: Uncertain significance for Inborn genetic diseases. Last evaluated: 2025-02-14. Review status: criteria provided, single submitter. Criteria: Ambry Variant Classification Scheme 2023. Collection method: clinical testing. Allele origin: germline.
Comment: The p.H95Y variant (also known as c.283C>T), located in coding exon 3 of the BMPR2 gene, results from a C to T substitution at nucleotide position 283. The histidine at codon 95 is replaced by tyrosine, an amino acid with similar properties. This amino acid position is conserved. In addition, the in silico prediction for this alteration is inconclusive. Based on the available evidence, the clinical significance of this variant remains unclear.